The following is an entry in ClinVar:

ClinVar aggregate classification (germline): Uncertain significance (0 of 4 stars; one submission).

Allele frequency attached by ClinVar (database versions not stated): gnomAD exomes below 0.00001.
gnomAD v4.1: 6 of 1,611,994 alleles (0.00037%); highest among the groups gnomAD compares: Non-Finnish European, 0.00051%; no homozygotes.

Submission:

Department of Pathology and Laboratory Medicine, Sinai Health System
Classification: Uncertain significance. Review status: no assertion criteria provided. Collection method: clinical testing. Allele origin: unknown. Affected: yes. Study: The Canadian Open Genetics Repository (COGR).
Comment: The SPTBN2 p.Met2194Val variant was not identified in the literature nor was it identified in dbSNP, ClinVar or in the following control databases: the 1000 Genomes Project, the NHLBI GO Exome Sequencing Project, or the Genome Aggregation Database (March 6, 2019, v2.1.1). The p.Met2194 residue is conserved in in mammals but not in more distantly related organisms however computational analyses (PolyPhen-2, SIFT, AlignGVGD, BLOSUM, MutationTaster) do not suggest a high likelihood of impact to the protein; this information is not predictive enough to rule out pathogenicity. The variant occurs outside of the splicing consensus sequence and 2 of 4 in silico or computational prediction software programs (SpliceSiteFinder, MaxEntScan, NNSPLICE, GeneSplicer) predict a greater than 10% difference in splicing; this is not very predictive of pathogenicity. In summary, based on the above information the clinical significance of this variant cannot be determined with certainty at this time. This variant is classified as a variant of uncertain significance.

NM_006946.4(SPTBN2):c.6580A>G (p.Met2194Val)

Gene: SPTBN2 (spectrin beta, non-erythrocytic 2; minus strand). Cytogenetic location: 11q13.2.
Variant type: single nucleotide variant.
Coding change: c.6580A>G on transcript NM_006946.4 (MANE Select); coding-DNA position 6580, A replaced by G.
Protein change: p.Met2194Val; replaces methionine 2194 with valine.
Molecular consequence: missense variant.
Genome position (GRCh38, 1-based): chr11:66,687,569, T>C on the plus strand (A>G on the coding strand, the complement: SPTBN2 is on the minus strand). VCF-style: chr11-66687569-T-C. GRCh37 (hg19) VCF-style: chr11-66455040-T-C.
Other names: short protein forms M2194V.
Identifiers: ClinVar variation 1049990 (VCV001049990.1), dbSNP rs2135301519, ClinGen allele CA381456666.